The following is an entry in ClinVar:

ClinVar aggregate classification (germline): Uncertain significance. Review status: criteria provided, multiple submitters, no conflicts (2 of 4 stars). 2 submissions from 2 submitters: Uncertain significance (2). Last evaluated 2025-04-14.

Conditions:
Inborn genetic diseases. Identifiers: MedGen C0950123, MeSH D030342.

Allele frequency attached by ClinVar (database versions not stated): gnomAD exomes below 0.00001; gnomAD 0.00002; TOPMed 0.00002.
gnomAD v4.1: 7 of 1,613,016 alleles (0.00043%); highest among the groups gnomAD compares: African/African-American, 0.0053%; no homozygotes.

Submissions (2):

Labcorp Genetics (formerly Invitae), Labcorp
Classification: Uncertain significance. Last evaluated: 2025-04-14. Review status: criteria provided, single submitter. Criteria: Invitae Variant Classification Sherloc (09022015). Collection method: clinical testing. Allele origin: germline.
Comment: This sequence change replaces arginine, which is basic and polar, with glycine, which is neutral and non-polar, at codon 441 of the NOTCH3 protein (p.Arg441Gly). This variant is present in population databases (no rsID available, gnomAD 0.008%). This variant has not been reported in the literature in individuals affected with NOTCH3-related conditions. ClinVar contains an entry for this variant (Variation ID: 3020592). Invitae Evidence Modeling of protein sequence and biophysical properties (such as structural, functional, and spatial information, amino acid conservation, physicochemical variation, residue mobility, and thermodynamic stability) has been performed for this missense variant. However, the output from this modeling did not meet the statistical confidence thresholds required to predict the impact of this variant on NOTCH3 protein function. In summary, the available evidence is currently insufficient to determine the role of this variant in disease. Therefore, it has been classified as a Variant of Uncertain Significance.

Ambry Genetics
Classification: Uncertain significance for Inborn genetic diseases. Last evaluated: 2024-12-12. Review status: criteria provided, single submitter. Criteria: Ambry Variant Classification Scheme 2023. Collection method: clinical testing. Allele origin: germline.

NM_000435.3(NOTCH3):c.1321C>G (p.Arg441Gly)

Gene: NOTCH3 (notch receptor 3; minus strand). Cytogenetic location: 19p13.12.
Variant type: single nucleotide variant.
Coding change: c.1321C>G on transcript NM_000435.3 (MANE Select); coding-DNA position 1321, C replaced by G.
Protein change: p.Arg441Gly; replaces arginine 441 with glycine.
Molecular consequence: missense variant.
Genome position (GRCh38, 1-based): chr19:15,189,046, G>C on the plus strand (C>G on the coding strand, the complement: NOTCH3 is on the minus strand). VCF-style: chr19-15189046-G-C. GRCh37 (hg19) VCF-style: chr19-15299857-G-C.
Other names: c.1321C>G (NM_000435.2); short protein forms R441G.
Identifiers: ClinVar variation 3020592 (VCV003020592.4), dbSNP rs1369793265, ClinGen allele CA404527835.